The following is an entry in ClinVar:

NM_025137.4(SPG11):c.1081C>T (p.Pro361Ser)

Gene: SPG11 (SPG11 vesicle trafficking associated, spatacsin; minus strand). Cytogenetic location: 15q21.1.
Variant type: single nucleotide variant.
Coding change: c.1081C>T on transcript NM_025137.4 (MANE Select); coding-DNA position 1081, C replaced by T.
Protein change: p.Pro361Ser; replaces proline 361 with serine.
Molecular consequence: missense variant.
Genome position (GRCh38, 1-based): chr15:44,651,866, G>A on the plus strand (C>T on the coding strand, the complement: SPG11 is on the minus strand). VCF-style: chr15-44651866-G-A. GRCh37 (hg19) VCF-style: chr15-44944064-G-A.
Other names: c.1081C>T, p.Pro361Ser (NM_001160227.2); short protein forms P361S.
Identifiers: ClinVar variation 864123 (VCV000864123.9), dbSNP rs2084791008, ClinGen allele CA392236633.

ClinVar aggregate classification (germline): Uncertain significance (1 of 4 stars; one submission).

Conditions:
Hereditary spastic paraplegia 11. Also called: SPASTIC PARAPLEGIA, AUTOSOMAL RECESSIVE, COMPLICATED, WITH THIN CORPUS CALLOSUM; SPASTIC PARAPLEGIA, AUTOSOMAL RECESSIVE, WITH MENTAL IMPAIRMENT AND THIN CORPUS CALLOSUM; Spastic Paraplegia 11; Nakamura Osame syndrome; Autosomal recessive hereditary spastic paraplegia, mental impairment, and thin corpus callosum; Spastic paraplegia, mental retardation and thin corpus callosum. Identifiers: Orphanet 2822, MedGen C1858479, MONDO:0011445, OMIM 604360.

Submission:

Labcorp Genetics (formerly Invitae), Labcorp
Classification: Uncertain significance for Hereditary spastic paraplegia 11. Last evaluated: 2022-02-24. Review status: criteria provided, single submitter. Criteria: Invitae Variant Classification Sherloc (09022015). Collection method: clinical testing. Allele origin: germline.
Comment: This sequence change replaces proline, which is neutral and non-polar, with serine, which is neutral and polar, at codon 361 of the SPG11 protein (p.Pro361Ser). This variant is not present in population databases (gnomAD no frequency). This variant has not been reported in the literature in individuals affected with SPG11-related conditions. ClinVar contains an entry for this variant (Variation ID: 864123). Algorithms developed to predict the effect of missense changes on protein structure and function output the following: SIFT: "Deleterious"; PolyPhen-2: "Probably Damaging"; Align-GVGD: "Class C0". The serine amino acid residue is found in multiple mammalian species, which suggests that this missense change does not adversely affect protein function. In summary, the available evidence is currently insufficient to determine the role of this variant in disease. Therefore, it has been classified as a Variant of Uncertain Significance.